The following is an entry in ClinVar:

ClinVar aggregate classification (germline): Uncertain significance (1 of 4 stars; one submission).

Conditions:
Lethal multiple pterygium syndrome (LMPS). Identifiers: Orphanet 33108, MedGen C1854678, MONDO:0009668, OMIM 253290.

gnomAD v4.1: 36 of 1,613,950 alleles (0.0022%); highest among the groups gnomAD compares: African/African-American, 0.0053%; no homozygotes.

Submission:

Labcorp Genetics (formerly Invitae), Labcorp
Classification: Uncertain significance for Lethal multiple pterygium syndrome. Last evaluated: 2025-12-02. Review status: criteria provided, single submitter. Criteria: Invitae Variant Classification Sherloc (09022015). Collection method: clinical testing. Allele origin: germline.
Comment: This sequence change replaces glycine, which is neutral and non-polar, with serine, which is neutral and polar, at codon 94 of the CHRNA1 protein (p.Gly94Ser). This variant is present in population databases (rs199470444, gnomAD 0.007%). This variant has not been reported in the literature in individuals affected with CHRNA1-related conditions. ClinVar contains an entry for this variant (Variation ID: 1056596). Invitae Evidence Modeling of protein sequence and biophysical properties (such as structural, functional, and spatial information, amino acid conservation, physicochemical variation, residue mobility, and thermodynamic stability) indicates that this missense variant is not expected to disrupt CHRNA1 protein function with a negative predictive value of 80%. In summary, the available evidence is currently insufficient to determine the role of this variant in disease. Therefore, it has been classified as a Variant of Uncertain Significance.

NM_000079.4(CHRNA1):c.280G>A (p.Gly94Ser)

Gene: CHRNA1 (cholinergic receptor nicotinic alpha 1 subunit; minus strand). Cytogenetic location: 2q31.1.
Variant type: single nucleotide variant.
Coding change: c.280G>A on transcript NM_000079.4 (MANE Select); coding-DNA position 280, G replaced by A.
Protein change: p.Gly94Ser; replaces glycine 94 with serine.
Molecular consequence: missense variant.
Genome position (GRCh38, 1-based): chr2:174,757,630, C>T on the plus strand (G>A on the coding strand, the complement: CHRNA1 is on the minus strand). VCF-style: chr2-174757630-C-T. GRCh37 (hg19) VCF-style: chr2-175622358-C-T.
Other names: c.355G>A, p.Gly119Ser (NM_001039523.3); short protein forms G119S, G94S.
Identifiers: ClinVar variation 1056596 (VCV001056596.9), dbSNP rs199470444, ClinGen allele CA1974604.